The following is an entry in ClinVar:

ClinVar aggregate classification (germline): Uncertain significance (1 of 4 stars; one submission).

Conditions:
GLUT1 deficiency syndrome 1, autosomal recessive. Identifiers: MedGen C3149117.

gnomAD v4.1: 1 of 1,613,788 alleles (0.000062%); highest among the groups gnomAD compares: South Asian, 0.0011%; no homozygotes.

Submission:

Labcorp Genetics (formerly Invitae), Labcorp
Classification: Uncertain significance for GLUT1 deficiency syndrome 1, autosomal recessive. Last evaluated: 2024-03-04. Review status: criteria provided, single submitter. Criteria: Invitae Variant Classification Sherloc (09022015). Collection method: clinical testing. Allele origin: germline.
Comment: This sequence change replaces leucine, which is neutral and non-polar, with valine, which is neutral and non-polar, at codon 260 of the SLC2A1 protein (p.Leu260Val). This variant is not present in population databases (gnomAD no frequency). This variant has not been reported in the literature in individuals affected with SLC2A1-related conditions. Advanced modeling of protein sequence and biophysical properties (such as structural, functional, and spatial information, amino acid conservation, physicochemical variation, residue mobility, and thermodynamic stability) performed at Invitae indicates that this missense variant is not expected to disrupt SLC2A1 protein function with a negative predictive value of 95%. In summary, the available evidence is currently insufficient to determine the role of this variant in disease. Therefore, it has been classified as a Variant of Uncertain Significance.

NM_006516.4(SLC2A1):c.778C>G (p.Leu260Val)

Gene: SLC2A1 (solute carrier family 2 member 1; minus strand). Cytogenetic location: 1p34.2.
Variant type: single nucleotide variant.
Coding change: c.778C>G on transcript NM_006516.4 (MANE Select); coding-DNA position 778, C replaced by G.
Protein change: p.Leu260Val; replaces leucine 260 with valine.
Molecular consequence: missense variant.
Genome position (GRCh38, 1-based): chr1:42,929,682, G>C on the plus strand (C>G on the coding strand, the complement: SLC2A1 is on the minus strand). VCF-style: chr1-42929682-G-C. GRCh37 (hg19) VCF-style: chr1-43395353-G-C.
Other names: short protein forms L260V.
Identifiers: ClinVar variation 3705566 (VCV003705566.2).